The following is an entry in ClinVar:

ClinVar aggregate classification (germline): Uncertain significance. Review status: criteria provided, multiple submitters, no conflicts (2 of 4 stars). 2 submissions from 2 submitters: Uncertain significance (2). Last evaluated 2026-03-01.

gnomAD v4.1: 1 of 1,614,196 alleles (0.000062%); highest among the groups gnomAD compares: Non-Finnish European, 0.000085%; no homozygotes.

Submissions (2):

CeGaT Center for Human Genetics Tuebingen
Classification: Uncertain significance. Last evaluated: 2026-03-01. Review status: criteria provided, single submitter. Criteria: CeGaT Center For Human Genetics Tuebingen Variant Classification Criteria Version 2. Collection method: clinical testing. Allele origin: germline. Affected: yes. Observed: 1 variant allele.
Comment: SPTBN1: PM2:Supporting

Labcorp Genetics (formerly Invitae), Labcorp
Classification: Uncertain significance. Last evaluated: 2024-05-09. Review status: criteria provided, single submitter. Criteria: Invitae Variant Classification Sherloc (09022015). Collection method: clinical testing. Allele origin: germline.
Comment: This sequence change replaces isoleucine, which is neutral and non-polar, with threonine, which is neutral and polar, at codon 1960 of the SPTBN1 protein (p.Ile1960Thr). This variant is not present in population databases (gnomAD no frequency). This variant has not been reported in the literature in individuals affected with SPTBN1-related conditions. Advanced modeling of protein sequence and biophysical properties (such as structural, functional, and spatial information, amino acid conservation, physicochemical variation, residue mobility, and thermodynamic stability) performed at Invitae indicates that this missense variant is expected to disrupt SPTBN1 protein function with a positive predictive value of 80%. In summary, the available evidence is currently insufficient to determine the role of this variant in disease. Therefore, it has been classified as a Variant of Uncertain Significance.

NM_003128.3(SPTBN1):c.5879T>C (p.Ile1960Thr)

Gene: SPTBN1 (spectrin beta, non-erythrocytic 1; plus strand). Cytogenetic location: 2p16.2.
Variant type: single nucleotide variant.
Coding change: c.5879T>C on transcript NM_003128.3 (MANE Select); coding-DNA position 5879, T replaced by C.
Protein change: p.Ile1960Thr; replaces isoleucine 1960 with threonine.
Molecular consequence: missense variant.
Genome position (GRCh38, 1-based): chr2:54,655,126, T>C. VCF-style: chr2-54655126-T-C. GRCh37 (hg19) VCF-style: chr2-54882263-T-C.
Other names: c.5840T>C, p.Ile1947Thr (NM_178313.3); short protein forms I1947T, I1960T.
Identifiers: ClinVar variation 3652835 (VCV003652835.6).